The following is an entry in ClinVar:

ClinVar aggregate classification (germline): Uncertain significance. Review status: criteria provided, multiple submitters, no conflicts (2 of 4 stars). 3 submissions from 3 submitters: Uncertain significance (3). Last evaluated 2025-12-05.

Conditions:
Chédiak-Higashi syndrome (CHS). Also called: Chediak-Higashi Syndrome. Identifiers: Orphanet 167, MedGen C0007965, MONDO:0008963, OMIM 214500.

Allele frequency attached by ClinVar (database versions not stated): TOPMed 0.00003; gnomAD 0.00005.
gnomAD v4.1: 44 of 1,613,918 alleles (0.0027%); highest among the groups gnomAD compares: African/African-American, 0.011%; no homozygotes.

Submissions (3):

Mayo Clinic Laboratories, Mayo Clinic
Classification: Uncertain significance. Last evaluated: 2025-12-05. Review status: criteria provided, single submitter. Criteria: ACMG Guidelines, 2015. Collection method: clinical testing. Allele origin: germline. Observed: 2 variant alleles.
Comment: BP4

Labcorp Genetics (formerly Invitae), Labcorp
Classification: Uncertain significance for Chédiak-Higashi syndrome. Last evaluated: 2022-08-13. Review status: criteria provided, single submitter. Criteria: Invitae Variant Classification Sherloc (09022015). Collection method: clinical testing. Allele origin: germline.
Comment: This sequence change replaces arginine, which is basic and polar, with tryptophan, which is neutral and slightly polar, at codon 886 of the LYST protein (p.Arg886Trp). This variant is present in population databases (no rsID available, gnomAD 0.003%). This variant has not been reported in the literature in individuals affected with LYST-related conditions. ClinVar contains an entry for this variant (Variation ID: 850107). Algorithms developed to predict the effect of missense changes on protein structure and function output the following: SIFT: "Deleterious"; PolyPhen-2: "Benign"; Align-GVGD: "Class C0". The tryptophan amino acid residue is found in multiple mammalian species, which suggests that this missense change does not adversely affect protein function. In summary, the available evidence is currently insufficient to determine the role of this variant in disease. Therefore, it has been classified as a Variant of Uncertain Significance.

Revvity Omics, Revvity
Classification: Uncertain significance for Chédiak-Higashi syndrome. Last evaluated: 2021-07-19. Review status: criteria provided, single submitter. Criteria: ACMG Guidelines, 2015. Collection method: clinical testing. Allele origin: germline.

NM_000081.4(LYST):c.2656C>T (p.Arg886Trp)

Gene: LYST (lysosomal trafficking regulator; minus strand). Cytogenetic location: 1q42.3.
Variant type: single nucleotide variant.
Coding change: c.2656C>T on transcript NM_000081.4 (MANE Select); coding-DNA position 2656, C replaced by T.
Protein change: p.Arg886Trp; replaces arginine 886 with tryptophan.
Molecular consequence: missense variant.
Genome position (GRCh38, 1-based): chr1:235,806,480, G>A on the plus strand (C>T on the coding strand, the complement: LYST is on the minus strand). VCF-style: chr1-235806480-G-A. GRCh37 (hg19) VCF-style: chr1-235969780-G-A.
Other names: p.Arg886Trp; c.2656C>T, p.Arg886Trp (NM_001301365.1); short protein forms R886W.
Identifiers: ClinVar variation 850107 (VCV000850107.10), dbSNP rs1037862310, ClinGen allele CA39616338.